The following is an entry in ClinVar:

NM_002972.4(SBF1):c.1967G>A (p.Arg656Gln)

Gene: SBF1 (SET binding factor 1; minus strand). Cytogenetic location: 22q13.33.
Variant type: single nucleotide variant.
Coding change: c.1967G>A on transcript NM_002972.4 (MANE Select); coding-DNA position 1967, G replaced by A.
Protein change: p.Arg656Gln; replaces arginine 656 with glutamine.
Molecular consequence: missense variant.
Genome position (GRCh38, 1-based): chr22:50,462,871, C>T on the plus strand (G>A on the coding strand, the complement: SBF1 is on the minus strand). VCF-style: chr22-50462871-C-T. GRCh37 (hg19) VCF-style: chr22-50901300-C-T.
Other names: c.1970G>A, p.Arg657Gln (NM_001365819.1); short protein forms R656Q, R657Q.
Identifiers: ClinVar variation 1375341 (VCV001375341.7), dbSNP rs778794053, ClinGen allele CA412213313.

ClinVar aggregate classification (germline): Uncertain significance (1 of 4 stars; one submission).

Allele frequency attached by ClinVar (database versions not stated): gnomAD 0.00001; gnomAD exomes 0.00001; TOPMed 0.00001.

Submission:

Labcorp Genetics (formerly Invitae), Labcorp
Classification: Uncertain significance. Last evaluated: 2021-06-02. Review status: criteria provided, single submitter. Criteria: Invitae Variant Classification Sherloc (09022015). Collection method: clinical testing. Allele origin: germline.
Comment: Algorithms developed to predict the effect of missense changes on protein structure and function are either unavailable or do not agree on the potential impact of this missense change (SIFT: "Deleterious"; PolyPhen-2: "Probably Damaging"; Align-GVGD: "Class C0"). This sequence change replaces arginine with glutamine at codon 656 of the SBF1 protein (p.Arg656Gln). The arginine residue is highly conserved and there is a small physicochemical difference between arginine and glutamine. This variant is not present in population databases (ExAC no frequency). This variant has not been reported in the literature in individuals with SBF1-related conditions. Algorithms developed to predict the effect of sequence changes on RNA splicing suggest that this variant may create or strengthen a splice site, but this prediction has not been confirmed by published transcriptional studies. In summary, the available evidence is currently insufficient to determine the role of this variant in disease. Therefore, it has been classified as a Variant of Uncertain Significance.